The following is an entry in ClinVar:

NM_024642.5(GALNT12):c.805G>C (p.Gly269Arg)

Gene: GALNT12 (polypeptide N-acetylgalactosaminyltransferase 12; plus strand). Cytogenetic location: 9q22.33.
Variant type: single nucleotide variant.
Coding change: c.805G>C on transcript NM_024642.5 (MANE Select); coding-DNA position 805, G replaced by C.
Protein change: p.Gly269Arg; replaces glycine 269 with arginine.
Molecular consequence: missense variant.
Genome position (GRCh38, 1-based): chr9:98,831,845, G>C. VCF-style: chr9-98831845-G-C. GRCh37 (hg19) VCF-style: chr9-101594127-G-C.
Other names: short protein forms G269R.
Identifiers: ClinVar variation 4261490 (VCV004261490.1).

ClinVar aggregate classification (germline): Uncertain significance (1 of 4 stars; one submission).

Submission:

Ambry Genetics
Classification: Uncertain significance. Last evaluated: 2025-07-24. Review status: criteria provided, single submitter. Criteria: Ambry Variant Classification Scheme 2023. Collection method: clinical testing. Allele origin: germline.
Comment: The p.G269R variant (also known as c.805G>C), located in coding exon 4 of the GALNT12 gene, results from a G to C substitution at nucleotide position 805. The glycine at codon 269 is replaced by arginine, an amino acid with dissimilar properties. This amino acid position is conserved. In addition, this alteration is predicted to be deleterious by in silico analysis. Based on the available evidence, the clinical significance of this variant remains unclear.